The following is an entry in ClinVar:

ClinVar aggregate classification (germline): Conflicting classifications of pathogenicity. Review status: criteria provided, conflicting classifications (1 of 4 stars). 5 submissions from 5 submitters: Uncertain significance (3); Likely benign (1). 1 of the submissions does not count toward it. Last evaluated 2025-12-15.

Conditions:
Holoprosencephaly 9 (HPE9). Also called: PITUITARY ANOMALIES WITH HOLOPROSENCEPHALY-LIKE FEATURES; HOLOPROSENCEPHALY WITH MICROPHTHALMIA AND FIRST BRANCHIAL ARCH ANOMALIES. Identifiers: Orphanet 2162, MedGen C1835819, MONDO:0012563, OMIM 610829.
Postaxial polydactyly-anterior pituitary anomalies-facial dysmorphism syndrome. Also called: Culler-Jones syndrome. Identifiers: Orphanet 420584, MedGen C4014479, MONDO:0014369, OMIM 615849.
GLI2-related disorder. Also called: GLI2-related condition; GLI2-related disorders.
Inborn genetic diseases. Identifiers: MedGen C0950123, MeSH D030342.
Intellectual disability. Also called: intellectual disabilities; Intellectual functioning disability; Intellectual developmental disorder. Identifiers: MedGen C3714756, MeSH D008607, MONDO:0001071, HP:0001249.

Allele frequency attached by ClinVar (database versions not stated): gnomAD exomes 0.00009; TOPMed 0.00010; gnomAD 0.00009; ExAC 0.00012; ESP Exome Variant Server 0.00031.
gnomAD v4.1: 224 of 1,613,636 alleles (0.014%); highest among the groups gnomAD compares: Non-Finnish European, 0.018%; no homozygotes.

Submissions (5):

Labcorp Genetics (formerly Invitae), Labcorp
Classification: Uncertain significance for Postaxial polydactyly-anterior pituitary anomalies-facial dysmorphism syndrome; Holoprosencephaly 9. Last evaluated: 2025-12-15. Review status: criteria provided, single submitter. Criteria: Invitae Variant Classification Sherloc (09022015). Collection method: clinical testing. Allele origin: germline.
Comment: This sequence change replaces histidine, which is basic and polar, with tyrosine, which is neutral and polar, at codon 74 of the GLI2 protein (p.His74Tyr). This variant is present in population databases (rs201945889, gnomAD 0.02%). This variant has not been reported in the literature in individuals affected with GLI2-related conditions. ClinVar contains an entry for this variant (Variation ID: 330964). An algorithm developed to predict the effect of missense changes on protein structure and function (PolyPhen-2) suggests that this variant is likely to be disruptive. In summary, the available evidence is currently insufficient to determine the role of this variant in disease. Therefore, it has been classified as a Variant of Uncertain Significance.

Ambry Genetics
Classification: Likely benign for Inborn genetic diseases. Last evaluated: 2021-07-14. Review status: criteria provided, single submitter. Criteria: Ambry Variant Classification Scheme 2023. Collection method: clinical testing. Allele origin: germline.

Cambridge Genomics Laboratory, East Genomic Laboratory Hub, NHS Genomic Medicine Service
Classification: Uncertain significance for Intellectual disability. Last evaluated: 2020-02-07. Review status: criteria provided, single submitter. Criteria: ACGS Best Practice Guidelines for Variant Classification in Rare Disease 2020. Collection method: clinical testing. Allele origin: germline. Affected: yes. Observed: 1 variant allele.

Illumina Laboratory Services, Illumina
Classification: Uncertain significance for Holoprosencephaly 9. Last evaluated: 2018-01-12. Review status: criteria provided, single submitter. Criteria: ICSL Variant Classification Criteria 13 December 2019. Collection method: clinical testing. Allele origin: germline.

PreventionGenetics, part of Exact Sciences
Classification: Uncertain significance for GLI2-related condition. Last evaluated: 2024-02-21. Review status: no assertion criteria provided. Collection method: clinical testing. Allele origin: germline. Not counted in ClinVar's aggregate classification.
Comment: The GLI2 c.220C>T variant is predicted to result in the amino acid substitution p.His74Tyr. To our knowledge, this variant has not been reported in the literature. This variant is reported in 0.020% of alleles in individuals of European (Non-Finnish) descent in gnomAD. Although we suspect that this variant may be benign, at this time, the clinical significance of this variant is uncertain due to the absence of conclusive functional and genetic evidence.

NM_001374353.1(GLI2):c.220C>T (p.His74Tyr)

Gene: GLI2 (GLI family zinc finger 2; plus strand). Cytogenetic location: 2q14.2.
Variant type: single nucleotide variant.
Coding change: c.220C>T on transcript NM_001374353.1 (MANE Select); coding-DNA position 220, C replaced by T.
Protein change: p.His74Tyr; replaces histidine 74 with tyrosine.
Molecular consequence: missense variant. On other transcripts: intron variant (1).
Genome position (GRCh38, 1-based): chr2:120,927,432, C>T. VCF-style: chr2-120927432-C-T. GRCh37 (hg19) VCF-style: chr2-121685008-C-T.
Other names: c.220C>T, p.His74Tyr (NM_001371271.1, NM_005270.5); c.-121-23811C>T (NM_001374354.1); short protein forms H74Y.
Identifiers: ClinVar variation 330964 (VCV000330964.12), dbSNP rs201945889, ClinGen allele CA1851453.